The following is an entry in ClinVar:

NM_005720.4(ARPC1B):c.646C>T (p.Arg216Cys)

Gene: ARPC1B (actin related protein 2/3 complex subunit 1B; plus strand). Cytogenetic location: 7q22.1.
Variant type: single nucleotide variant.
Coding change: c.646C>T on transcript NM_005720.4 (MANE Select); coding-DNA position 646, C replaced by T.
Protein change: p.Arg216Cys; replaces arginine 216 with cysteine.
Molecular consequence: missense variant.
Genome position (GRCh38, 1-based): chr7:99,391,038, C>T. VCF-style: chr7-99391038-C-T. GRCh37 (hg19) VCF-style: chr7-98988661-C-T.
Other names: c.646C>T (NM_005720.3); short protein forms R216C.
Identifiers: ClinVar variation 1345967 (VCV001345967.6), dbSNP rs1175990185, ClinGen allele CA368324061.

ClinVar aggregate classification (germline): Uncertain significance. Review status: criteria provided, multiple submitters, no conflicts (2 of 4 stars). 2 submissions from 2 submitters: Uncertain significance (2). Last evaluated 2024-10-16.

Conditions:
Inborn genetic diseases. Identifiers: MedGen C0950123, MeSH D030342.

Allele frequency attached by ClinVar (database versions not stated): gnomAD 0.00001; gnomAD exomes 0.00001 and 0.00002; TOPMed 0.00001.

Submissions (2):

Labcorp Genetics (formerly Invitae), Labcorp
Classification: Uncertain significance. Last evaluated: 2024-10-16. Review status: criteria provided, single submitter. Criteria: Invitae Variant Classification Sherloc (09022015). Collection method: clinical testing. Allele origin: germline.
Comment: This sequence change replaces arginine, which is basic and polar, with cysteine, which is neutral and slightly polar, at codon 216 of the ARPC1B protein (p.Arg216Cys). This variant is present in population databases (no rsID available, gnomAD 0.006%). This variant has not been reported in the literature in individuals affected with ARPC1B-related conditions. ClinVar contains an entry for this variant (Variation ID: 1345967). Invitae Evidence Modeling of protein sequence and biophysical properties (such as structural, functional, and spatial information, amino acid conservation, physicochemical variation, residue mobility, and thermodynamic stability) indicates that this missense variant is not expected to disrupt ARPC1B protein function with a negative predictive value of 80%. In summary, the available evidence is currently insufficient to determine the role of this variant in disease. Therefore, it has been classified as a Variant of Uncertain Significance.

Ambry Genetics
Classification: Uncertain significance for Inborn genetic diseases. Last evaluated: 2021-10-06. Review status: criteria provided, single submitter. Criteria: Ambry Variant Classification Scheme 2023. Collection method: clinical testing. Allele origin: germline.